The following is an entry in ClinVar:

ClinVar aggregate classification (germline): Conflicting classifications of pathogenicity. Review status: criteria provided, conflicting classifications (1 of 4 stars). 3 submissions from 3 submitters: Uncertain significance (2); Likely benign (1). Last evaluated 2025-12-01.

Allele frequency attached by ClinVar (database versions not stated): 1000 Genomes Project 0.00020; 1000 Genomes Project 30x 0.00047; gnomAD exomes 0.00058 and 0.00069; gnomAD 0.00069 and 0.00073; ExAC 0.00076.
gnomAD v4.1: 872 of 1,258,046 alleles (0.069%); highest among the groups gnomAD compares: Non-Finnish European, 0.081%; 2 homozygotes.

Submissions (3):

CeGaT Center for Human Genetics Tuebingen
Classification: Likely benign. Last evaluated: 2025-12-01. Review status: criteria provided, single submitter. Criteria: CeGaT Center For Human Genetics Tuebingen Variant Classification Criteria Version 2. Collection method: clinical testing. Allele origin: germline. Affected: yes. Observed: 3 variant alleles.
Comment: HERC2: PM2:Supporting, BS2

Blueprint Genetics
Classification: Uncertain significance. Last evaluated: 2024-11-22. Review status: criteria provided, single submitter. Criteria: ACMG Guidelines, 2015. Collection method: clinical testing. Allele origin: germline.

GeneDx
Classification: Uncertain significance. Last evaluated: 2022-05-19. Review status: criteria provided, single submitter. Criteria: GeneDx Variant Classification Process June 2021. Collection method: clinical testing. Allele origin: germline. Affected: yes.
Comment: Identified in monozygotic twins with a molecular diagnosis of Prader-Willi syndrome but atypically severe phenotype who were also found to have a TCF4 splicing variant likely contributing to their phenotype (Jehee et al., 2017); In silico analysis supports that this missense variant does not alter protein structure/function; This variant is associated with the following publications: (PMID: 28631899)

NM_004667.6(HERC2):c.5546A>G (p.Lys1849Arg)

Gene: HERC2 (HECT and RLD domain containing E3 ubiquitin protein ligase 2; minus strand). Cytogenetic location: 15q13.1.
Variant type: single nucleotide variant.
Coding change: c.5546A>G on transcript NM_004667.6 (MANE Select); coding-DNA position 5546, A replaced by G.
Protein change: p.Lys1849Arg; replaces lysine 1849 with arginine.
Molecular consequence: missense variant.
Genome position (GRCh38, 1-based): chr15:28,222,134, T>C on the plus strand (A>G on the coding strand, the complement: HERC2 is on the minus strand). VCF-style: chr15-28222134-T-C. GRCh37 (hg19) VCF-style: chr15-28467280-T-C.
Other names: short protein forms K1849R.
Identifiers: ClinVar variation 1215340 (VCV001215340.13), dbSNP rs201821203, ClinGen allele CA7442314.
Genomic context (GRCh38, chr15:28,222,134, plus strand): 5'-ATCTTCATCATGGCAGCCAGTTCTGGTCCTGAAACAGGGAGCTGCACAGGAGCCGTTTCC[T>C]TCCTTGTTTCTTCCAAAACTGTGGCAGAAGCACCTTGAGCAGAAGCATTCATATCTTCCT-3'
Protein context (NP_004658.3, residues 1839-1859): ASATVLEETR[Lys1849Arg]ETAPVQLPVS